The following is an entry in ClinVar:

ClinVar aggregate classification (germline): Pathogenic (1 of 4 stars; one submission).

Conditions:
Sotos syndrome (SOTOS). Also called: Sotos' syndrome; Distinctive facial appearance, overgrowth in childhood, and learning disabilities or delayed development; CHROMOSOME 5q35 DELETION SYNDROME; CEREBRAL GIGANTISM; SOTOS SYNDROME 1. Identifiers: Orphanet 821, MedGen C0175695, MONDO:0019349, OMIM 117550.

Submission:

Dubai Health Genomic Medicine Center, Dubai Health
Classification: Pathogenic for Sotos syndrome. Last evaluated: 2024-10-04. Review status: criteria provided, single submitter. Criteria: ACMG Guidelines, 2015. Collection method: research. Allele origin: germline. Affected: yes.
Comment: PVS1, PM2, PP4

NM_022455.5(NSD1):c.4242del (p.Glu1414fs)

Gene: NSD1 (nuclear receptor binding SET domain protein 1; plus strand). Cytogenetic location: 5q35.3.
Variant type: Deletion.
Coding change: c.4242del on transcript NM_022455.5 (MANE Select); coding-DNA position 4242, one base deleted (A; older notation c.4242delA).
Protein change: p.Glu1414fs; shifts the reading frame from glutamic acid 1414.
Molecular consequence: frameshift variant.
Genome position (GRCh38, 1-based): chr5:177,239,805, A deleted; the last of 2 consecutive A bases (chr5:177,239,804-177,239,805); deleting either gives the same sequence. VCF-style (leftmost placement, unchanged base first): chr5-177239803-GA-G. GRCh37 (hg19) VCF-style: chr5-176666804-GA-G.
Other names: c.3369delA, p.Glu1123Aspfs (NM_001365684.2, NM_001409306.1, NM_001409307.1 and 3 more transcripts); c.4242delA, p.Glu1414Aspfs (NM_001409301.1, NM_001409302.1, NM_001409303.1); c.3822delA, p.Glu1274Aspfs (NM_001409304.1); c.3489delA, p.Glu1163Aspfs (NM_001409305.1); short protein forms E1145fs, E1414fs.
Identifiers: ClinVar variation 1810249 (VCV001810249.2), dbSNP rs2480597386, ClinGen allele CA2580074059.